The following is an entry in ClinVar:

ClinVar aggregate classification (germline): Uncertain significance (1 of 4 stars; one submission).

Conditions:
Parathyroid carcinoma (PRTC). Also called: Parathyroid gland carcinoma; CDC73-Related Parathyroid Carcinoma. Identifiers: Orphanet 143, MedGen C0687150, MONDO:0012004, OMIM 608266, HP:0006780.

Submission:

Labcorp Genetics (formerly Invitae), Labcorp
Classification: Uncertain significance for Parathyroid carcinoma. Last evaluated: 2022-10-15. Review status: criteria provided, single submitter. Criteria: Invitae Variant Classification Sherloc (09022015). Collection method: clinical testing. Allele origin: germline.
Comment: In summary, the available evidence is currently insufficient to determine the role of this variant in disease. Therefore, it has been classified as a Variant of Uncertain Significance. Experimental studies and prediction algorithms are not available or were not evaluated, and the functional significance of this variant is currently unknown. This variant has not been reported in the literature in individuals affected with CDC73-related conditions. This variant results in a copy number gain of the genomic region encompassing exon(s) 2-17 of the CDC73 gene. This region includes the termination codon of the gene. This copy number gain extends beyond the assayed region for this gene and therefore may encompass additional genes. As the precise location of this event is unknown, it may be in tandem or it may be located elsewhere in the genome.

NC_000001.10:g.(?_193094232)_(193219842_?)dup

Genes: B3GALT2 (beta-1,3-galactosyltransferase 2; minus strand), CDC73 (cell division cycle 73; plus strand). Cytogenetic location: 1q31.2.
Variant type: Duplication.
Identifiers: ClinVar variation 2426826 (VCV002426826.4).